The following is an entry in ClinVar:

ClinVar aggregate classification (germline): Pathogenic (1 of 4 stars; one submission).

Conditions:
Junctional epidermolysis bullosa. Identifiers: Orphanet 305, MedGen C0079301, MONDO:0017612.

Submission:

Myriad Genetics, Inc.
Classification: Pathogenic for Junctional epidermolysis bullosa. Last evaluated: 2023-09-27. Review status: criteria provided, single submitter. Criteria: Myriad Autosomal Dominant, Autosomal Recessive and X-Linked Classification Criteria (2023). Collection method: clinical testing. Allele origin: unknown.
Comment: NM_000228.2(LAMB3):c.947dupG(C316Wfs*13) is expected to be pathogenic in the context of junctional epidermolysis bullosa, LAMB3-related. This variant is predicted to lead to an abnormal or absent protein product due to the creation of a premature termination codon in LAMB3, a gene where loss-of-function variants are known to be pathogenic. Please note: this variant was assessed in the context of healthy population screening.

NM_000228.3(LAMB3):c.947dup (p.Cys316fs)

Gene: LAMB3 (laminin subunit beta 3; minus strand). Cytogenetic location: 1q32.2.
Variant type: Duplication.
Coding change: c.947dup on transcript NM_000228.3 (MANE Select); coding-DNA position 947, one base duplicated (G; older notation c.947dupG).
Protein change: p.Cys316fs; shifts the reading frame from cysteine 316.
Molecular consequence: frameshift variant.
Genome position (GRCh38, 1-based): chr1:209,629,922, C duplicated on the plus strand (G on the coding strand, the reverse complement: LAMB3 is on the minus strand). VCF-style (leftmost placement, unchanged base first): chr1-209629921-G-GC. GRCh37 (hg19) VCF-style: chr1-209803266-G-GC.
Other names: c.947dup, p.Cys316fs (NM_001017402.2, NM_001127641.1); short protein forms C316fs.
Identifiers: ClinVar variation 5012095 (VCV005012095.1).
Genomic context (GRCh38, chr1:209,629,921, plus strand): 5'-CTGGCTGGCGGCAAACACAGCGGGGTCAAAGTGACATGTCTCTGAGTGCCCATTGCAGTC[G>GC]CACCCTGGAAAAAGAGAGTCCCAGGGCTGACATCTGACCCACACCTTTGCTATCTACAGA-3'